The following is an entry in ClinVar:

NM_024854.5(PYROXD1):c.452T>C (p.Met151Thr)

Gene: PYROXD1 (pyridine nucleotide-disulphide oxidoreductase domain 1; plus strand). Cytogenetic location: 12p12.1.
Variant type: single nucleotide variant.
Coding change: c.452T>C on transcript NM_024854.5 (MANE Select); coding-DNA position 452, T replaced by C.
Protein change: p.Met151Thr; replaces methionine 151 with threonine.
Molecular consequence: missense variant. On other transcripts: intron variant (1).
Genome position (GRCh38, 1-based): chr12:21,452,118, T>C. VCF-style: chr12-21452118-T-C. GRCh37 (hg19) VCF-style: chr12-21605052-T-C.
Other names: c.239T>C, p.Met80Thr (NM_001350912.2); c.-290+2427T>C (NM_001350913.2); short protein forms M80T, M151T.
Identifiers: ClinVar variation 2090157 (VCV002090157.4), dbSNP rs1196759235, ClinGen allele CA384107371.

ClinVar aggregate classification (germline): Uncertain significance (1 of 4 stars; one submission).

Allele frequency attached by ClinVar (database versions not stated): gnomAD exomes below 0.00001; gnomAD 0.00001.

Submission:

Labcorp Genetics (formerly Invitae), Labcorp
Classification: Uncertain significance. Last evaluated: 2022-05-28. Review status: criteria provided, single submitter. Criteria: Invitae Variant Classification Sherloc (09022015). Collection method: clinical testing. Allele origin: germline.
Comment: This sequence change replaces methionine, which is neutral and non-polar, with threonine, which is neutral and polar, at codon 151 of the PYROXD1 protein (p.Met151Thr). The frequency data for this variant in the population databases is considered unreliable, as metrics indicate poor data quality at this position in the gnomAD database. This variant has not been reported in the literature in individuals affected with PYROXD1-related conditions. Algorithms developed to predict the effect of missense changes on protein structure and function output the following: SIFT: "Deleterious"; PolyPhen-2: "Benign"; Align-GVGD: "Class C0". The threonine amino acid residue is found in multiple mammalian species, which suggests that this missense change does not adversely affect protein function. In summary, the available evidence is currently insufficient to determine the role of this variant in disease. Therefore, it has been classified as a Variant of Uncertain Significance.